The following is an entry in ClinVar:

NM_006005.3(WFS1):c.2272A>T (p.Lys758Ter)

Gene: WFS1 (wolframin ER transmembrane glycoprotein; plus strand). Cytogenetic location: 4p16.1.
Variant type: single nucleotide variant.
Coding change: c.2272A>T on transcript NM_006005.3 (MANE Select); coding-DNA position 2272, A replaced by T.
Protein change: p.Lys758Ter; replaces lysine 758 with a stop codon.
Molecular consequence: nonsense.
Genome position (GRCh38, 1-based): chr4:6,302,067, A>T. VCF-style: chr4-6302067-A-T. GRCh37 (hg19) VCF-style: chr4-6303794-A-T.
Other names: c.2272A>T, p.Lys758Ter (NM_001145853.1); short protein forms K758*.
Identifiers: ClinVar variation 5019557 (VCV005019557.2).

ClinVar aggregate classification (germline): Uncertain significance (1 of 4 stars; one submission).

Conditions:
Cataract 41 (CTRCT41). Also called: CATARACT 41, CONGENITAL NUCLEAR TYPE. Identifiers: Orphanet 91492, Orphanet 98991, Orphanet 98992, Orphanet 98995, MedGen C3805412, MONDO:0007287, OMIM 116400.
Wolfram-like syndrome. Also called: HEARING LOSS, PROGRESSIVE, WITH OPTIC ATROPHY AND/OR IMPAIRED GLUCOSE REGULATION. Identifiers: Orphanet 411590, MedGen C3280358, MONDO:0013673, OMIM 614296.
Type 2 diabetes mellitus. Also called: Type II diabetes mellitus. Identifiers: MedGen C0011860, MeSH D003924, MONDO:0005148, OMIM 125853, HP:0005978.
Autosomal dominant nonsyndromic hearing loss 6 (LFSNHL). Also called: Autosomal dominant nonsyndromic deafness 6; DEAFNESS, AUTOSOMAL DOMINANT 6; DEAFNESS, AUTOSOMAL DOMINANT 14; DEAFNESS, AUTOSOMAL DOMINANT 38. Identifiers: Orphanet 90635, MedGen C1833021, MONDO:0010963, OMIM 600965.
Wolfram syndrome 1 (WFS1). Identifiers: Orphanet 3463, MedGen C4551693, MONDO:0009101, OMIM 222300.

Submission:

Juno Genomics, Hangzhou Juno Genomics, Inc
Classification: Uncertain significance for Cataract 41; Type 2 diabetes mellitus; Autosomal dominant nonsyndromic hearing loss 6; Wolfram syndrome 1; Wolfram-like syndrome. Review status: criteria provided, single submitter. Criteria: ACMG Guidelines, 2015. Collection method: clinical testing. Allele origin: germline.
Comment: Absent from controls (or at extremely low frequency if recessive) in Genome Aggregation Database.;Null variant in a gene where loss of function (LOF) is a known mechanism of disease.